The following is an entry in ClinVar:

NM_000428.3(LTBP2):c.2350G>A (p.Gly784Arg)

Gene: LTBP2 (latent transforming growth factor beta binding protein 2; minus strand). Cytogenetic location: 14q24.3.
Variant type: single nucleotide variant.
Coding change: c.2350G>A on transcript NM_000428.3 (MANE Select); coding-DNA position 2350, G replaced by A.
Protein change: p.Gly784Arg; replaces glycine 784 with arginine.
Molecular consequence: missense variant.
Genome position (GRCh38, 1-based): chr14:74,528,501, C>T on the plus strand (G>A on the coding strand, the complement: LTBP2 is on the minus strand). VCF-style: chr14-74528501-C-T. GRCh37 (hg19) VCF-style: chr14-74995204-C-T.
Other names: c.2350G>A (NM_000428.2); short protein forms G784R.
Identifiers: ClinVar variation 1349285 (VCV001349285.7), dbSNP rs776011308, ClinGen allele CA7269569.

ClinVar aggregate classification (germline): Uncertain significance. Review status: criteria provided, multiple submitters, no conflicts (2 of 4 stars). 2 submissions from 2 submitters: Uncertain significance (2). Last evaluated 2024-12-10.

Conditions:
Inborn genetic diseases. Identifiers: MedGen C0950123, MeSH D030342.

Allele frequency attached by ClinVar (database versions not stated): gnomAD 0.00001; gnomAD exomes 0.00001 and 0.00002; ExAC 0.00002; TOPMed 0.00002.
gnomAD v4.1: 24 of 1,611,874 alleles (0.0015%); highest among the groups gnomAD compares: East Asian, 0.0022%; no homozygotes.

Submissions (2):

Ambry Genetics
Classification: Uncertain significance for Inborn genetic diseases. Last evaluated: 2024-12-10. Review status: criteria provided, single submitter. Criteria: Ambry Variant Classification Scheme 2023. Collection method: clinical testing. Allele origin: germline.

Labcorp Genetics (formerly Invitae), Labcorp
Classification: Uncertain significance. Last evaluated: 2021-07-12. Review status: criteria provided, single submitter. Criteria: Invitae Variant Classification Sherloc (09022015). Collection method: clinical testing. Allele origin: germline.
Comment: This sequence change replaces glycine with arginine at codon 784 of the LTBP2 protein (p.Gly784Arg). The glycine residue is weakly conserved and there is a moderate physicochemical difference between glycine and arginine. This variant is present in population databases (rs776011308, ExAC 0.01%). This variant has not been reported in the literature in individuals affected with LTBP2-related conditions. Algorithms developed to predict the effect of missense changes on protein structure and function (SIFT, PolyPhen-2, Align-GVGD) all suggest that this variant is likely to be tolerated. In summary, the available evidence is currently insufficient to determine the role of this variant in disease. Therefore, it has been classified as a Variant of Uncertain Significance.